The following is an entry in ClinVar:

ClinVar aggregate classification (germline): Uncertain significance (1 of 4 stars; one submission).

Submission:

Labcorp Genetics (formerly Invitae), Labcorp
Classification: Uncertain significance. Last evaluated: 2022-05-20. Review status: criteria provided, single submitter. Criteria: Invitae Variant Classification Sherloc (09022015). Collection method: clinical testing. Allele origin: germline.
Comment: In summary, the available evidence is currently insufficient to determine the role of this variant in disease. Therefore, it has been classified as a Variant of Uncertain Significance. Algorithms developed to predict the effect of missense changes on protein structure and function are either unavailable or do not agree on the potential impact of this missense change (SIFT: "Deleterious"; PolyPhen-2: "Possibly Damaging"; Align-GVGD: "Class C0"). This variant has not been reported in the literature in individuals affected with MSH3-related conditions. This variant is not present in population databases (gnomAD no frequency). This sequence change replaces leucine, which is neutral and non-polar, with phenylalanine, which is neutral and non-polar, at codon 585 of the MSH3 protein (p.Leu585Phe).

NM_002439.5(MSH3):c.1753C>T (p.Leu585Phe)

Gene: MSH3 (mutS homolog 3; plus strand). Cytogenetic location: 5q14.1.
Variant type: single nucleotide variant.
Coding change: c.1753C>T on transcript NM_002439.5 (MANE Select); coding-DNA position 1753, C replaced by T.
Protein change: p.Leu585Phe; replaces leucine 585 with phenylalanine.
Molecular consequence: missense variant.
Genome position (GRCh38, 1-based): chr5:80,744,605, C>T. VCF-style: chr5-80744605-C-T. GRCh37 (hg19) VCF-style: chr5-80040424-C-T.
Other names: short protein forms L585F.
Identifiers: ClinVar variation 1361732 (VCV001361732.8), dbSNP rs2112868994, ClinGen allele CA360274832.
Genomic context (GRCh38, chr5:80,744,605, plus strand): 5'-GACCACACTAAAACTTCATTTGGGAGACGGAAGTTAAAGAAGTGGGTGACCCAGCCACTC[C>T]TTAAATTAAGGTAAAAGGAATTCTTTTTGGGGTGTTTAATCTGAAATTATAAAATTTTGA-3'
Protein context (NP_002430.3, residues 575-595): KLKKWVTQPL[Leu585Phe]KLREINARLD